The following is an entry in ClinVar:

ClinVar aggregate classification (germline): Conflicting classifications of pathogenicity. Review status: criteria provided, conflicting classifications (1 of 4 stars). 2 submissions from 2 submitters: Uncertain significance (1); Likely benign (1). Last evaluated 2025-10-08.

Conditions:
Familial cancer of breast. Also called: BREAST CANCER, FAMILIAL; Hereditary breast cancer; hereditary breast carcinoma. Identifiers: Orphanet 227535, MedGen C0346153, MONDO:0016419, OMIM 114480. Disease mechanism: loss of function.
Hereditary cancer-predisposing syndrome. Also called: Tumor predisposition; Hereditary Cancer Syndrome; Hereditary neoplastic syndrome; Neoplastic Syndromes, Hereditary. Identifiers: Orphanet 140162, MedGen C0027672, MeSH D009386, MONDO:0015356.

Submissions (2):

Labcorp Genetics (formerly Invitae), Labcorp
Classification: Uncertain significance for Familial cancer of breast. Last evaluated: 2025-10-08. Review status: criteria provided, single submitter. Criteria: Invitae Variant Classification Sherloc (09022015). Collection method: clinical testing. Allele origin: germline.
Comment: This sequence change falls in intron 8 of the PALB2 gene. It does not directly change the encoded amino acid sequence of the PALB2 protein. It affects a nucleotide within the consensus splice site. This variant is not present in population databases (gnomAD no frequency). This variant has not been reported in the literature in individuals affected with PALB2-related conditions. ClinVar contains an entry for this variant (Variation ID: 410155). Variants that disrupt the consensus splice site are a relatively common cause of aberrant splicing (PMID: 17576681, 9536098). Studies have shown that this variant is associated with inconclusive levels of altered splicing (PMID: 34846068). In summary, the available evidence is currently insufficient to determine the role of this variant in disease. Therefore, it has been classified as a Variant of Uncertain Significance.

Ambry Genetics
Classification: Likely benign for Hereditary cancer-predisposing syndrome. Last evaluated: 2020-08-31. Review status: criteria provided, single submitter. Criteria: Ambry Variant Classification Scheme 2023. Collection method: clinical testing. Allele origin: germline.

Literature cited by the submitters: PubMed 17576681 (cited by Labcorp Genetics (formerly Invitae), Labcorp); PubMed 9536098 (cited by Labcorp Genetics (formerly Invitae), Labcorp); PubMed 34846068 (cited by Labcorp Genetics (formerly Invitae), Labcorp).

NM_024675.4(PALB2):c.2834+3A>G

Gene: PALB2 (partner and localizer of BRCA2; minus strand). Cytogenetic location: 16p12.2.
Variant type: single nucleotide variant.
Coding change: c.2834+3A>G on transcript NM_024675.4 (MANE Select); 3 bases into the intron after coding-DNA position 2834, A replaced by G.
Molecular consequence: intron variant.
Genome position (GRCh38, 1-based): chr16:23,624,006, T>C on the plus strand (A>G on the coding strand, the complement: PALB2 is on the minus strand). VCF-style: chr16-23624006-T-C. GRCh37 (hg19) VCF-style: chr16-23635327-T-C.
Identifiers: ClinVar variation 410155 (VCV000410155.13), dbSNP rs1060502766, ClinGen allele CA16614824.
Genomic context (GRCh38, chr16:23,624,006, plus strand): 5'-TTAAAACCAGCTGACAGAGACAAAGATGAAGGAAAAACAAATCACTCCTTGGGAATTACA[T>C]ACCTGATCTCTCTGATTTCCAAATTTCCCAAAGCTACACACACGAGATTATACACATCAG-3'